The following is an entry in ClinVar:

NM_000313.4(PROS1):c.472A>G (p.Ile158Val)

Gene: PROS1 (protein S; minus strand). Cytogenetic location: 3q11.1.
Variant type: single nucleotide variant.
Coding change: c.472A>G on transcript NM_000313.4 (MANE Select); coding-DNA position 472, A replaced by G.
Protein change: p.Ile158Val; replaces isoleucine 158 with valine.
Molecular consequence: missense variant.
Genome position (GRCh38, 1-based): chr3:93,905,913, T>C on the plus strand (A>G on the coding strand, the complement: PROS1 is on the minus strand). VCF-style: chr3-93905913-T-C. GRCh37 (hg19) VCF-style: chr3-93624757-T-C.
Other names: c.568A>G, p.Ile190Val (NM_001314077.2); short protein forms I158V, I190V.
Identifiers: ClinVar variation 4749910 (VCV004749910.1).
Genomic context (GRCh38, chr3:93,905,913, plus strand): 5'-TATTATCACAAATTTGACTGCAACCTCCATTTATATTTGAGGGATCTTTGCATTCATTTA[T>C]GTCTAAAACAGGAAAAAAATAAATTATTTTTAAAGTAATATAACCTGCAGAGAACTTTTC-3'
Protein context (NP_000304.2, residues 148-168): GWQGEKCEFD[Ile158Val]NECKDPSNIN

ClinVar aggregate classification (germline): Uncertain significance (1 of 4 stars; one submission).

Conditions:
Thrombophilia due to protein S deficiency, autosomal recessive (THPH6). Identifiers: Orphanet 743, MedGen C3281092, MONDO:0013791, OMIM 614514. Disease mechanism: loss of function.

Submission:

Labcorp Genetics (formerly Invitae), Labcorp
Classification: Uncertain significance for Thrombophilia due to protein S deficiency, autosomal recessive. Last evaluated: 2026-01-25. Review status: criteria provided, single submitter. Criteria: Invitae Variant Classification Sherloc (09022015). Collection method: clinical testing. Allele origin: germline.
Comment: This sequence change replaces isoleucine, which is neutral and non-polar, with valine, which is neutral and non-polar, at codon 158 of the PROS1 protein (p.Ile158Val). This variant is not present in population databases (gnomAD no frequency). This variant has not been reported in the literature in individuals affected with PROS1-related conditions. An algorithm developed to predict the effect of missense changes on protein structure and function outputs the following: PolyPhen-2: "Benign". The valine amino acid residue is found in multiple mammalian species, which suggests that this missense change does not adversely affect protein function. In summary, the available evidence is currently insufficient to determine the role of this variant in disease. Therefore, it has been classified as a Variant of Uncertain Significance.